The following is an entry in ClinVar:

ClinVar aggregate classification (germline): Conflicting classifications of pathogenicity. Review status: criteria provided, conflicting classifications (1 of 4 stars). 2 submissions from 2 submitters: Uncertain significance (1); Likely benign (1). Last evaluated 2023-01-01.

Submissions (2):

CeGaT Center for Human Genetics Tuebingen
Classification: Likely benign. Last evaluated: 2023-01-01. Review status: criteria provided, single submitter. Criteria: CeGaT Center For Human Genetics Tuebingen Variant Classification Criteria Version 2. Collection method: clinical testing. Allele origin: germline. Affected: yes. Observed: 3 variant alleles.
Comment: ENPP1: BP4, BP7

Eurofins Ntd Llc (ga)
Classification: Uncertain significance. Last evaluated: 2015-06-18. Review status: criteria provided, single submitter. Criteria: EGL Classification Definitions 2015. Collection method: clinical testing. Allele origin: germline. Observed: 4 variant alleles, 3 heterozygotes.

NM_006208.3(ENPP1):c.27C>G (p.Gly9=)

Gene: ENPP1 (ectonucleotide pyrophosphatase/phosphodiesterase 1; plus strand). Cytogenetic location: 6q23.2.
Variant type: single nucleotide variant.
Coding change: c.27C>G on transcript NM_006208.3 (MANE Select); coding-DNA position 27, C replaced by G.
Protein change: p.Gly9=; no amino-acid change (glycine 9 retained).
Molecular consequence: synonymous variant.
Genome position (GRCh38, 1-based): chr6:131,808,062, C>G. VCF-style: chr6-131808062-C-G. GRCh37 (hg19) VCF-style: chr6-132129202-C-G.
Identifiers: ClinVar variation 193333 (VCV000193333.29), dbSNP rs794726927, ClinGen allele CA238851.